The following is an entry in ClinVar:

ClinVar aggregate classification (germline): Uncertain significance (1 of 4 stars; one submission).

Conditions:
Arginase deficiency. Also called: Arginase 1 Deficiency; ARGININEMIA; ARG1 DEFICIENCY. Identifiers: Orphanet 90, MedGen C0268548, MONDO:0008814, OMIM 207800.

Submission:

Juno Genomics, Hangzhou Juno Genomics, Inc
Classification: Uncertain significance for Arginase deficiency. Review status: criteria provided, single submitter. Criteria: ACMG Guidelines, 2015. Collection method: clinical testing. Allele origin: germline. Affected: yes.
Comment: Absent from controls (or at extremely low frequency if recessive) in Genome Aggregation Database, Exome Sequencing Project, 1000 Genomes Project, or Exome Aggregation Consortium.;Multiple lines of computational evidence support a deleterious effect on the gene or gene product (conservation, evolutionary, splicing impact, etc).;Patient's phenotype or family history is highly specific for a disease with a single genetic etiology.

NM_000045.4(ARG1):c.833T>G (p.Val278Gly)

Genes: ARG1 (arginase 1; plus strand), MED23 (mediator complex subunit 23; minus strand). Cytogenetic location: 6q23.2.
Variant type: single nucleotide variant.
Coding change: c.833T>G on transcript NM_000045.4 (MANE Select); coding-DNA position 833, T replaced by G.
Protein change: p.Val278Gly; replaces valine 278 with glycine.
Molecular consequence: missense variant. On other transcripts: non-coding transcript variant (1), intron variant (2).
Genome position (GRCh38, 1-based): chr6:131,583,772, T>G. VCF-style: chr6-131583772-T-G. GRCh37 (hg19) VCF-style: chr6-131904912-T-G.
Other names: c.857T>G, p.Val286Gly (NM_001244438.2); c.578T>G, p.Val193Gly (NM_001369020.1); c.4077+3937A>C (NM_001270521.2); c.4095+3937A>C (NM_015979.4); short protein forms V193G, V278G, V286G.
Identifiers: ClinVar variation 3382853 (VCV003382853.1).